The following is an entry in ClinVar:

ClinVar aggregate classification (germline): Uncertain significance (1 of 4 stars; one submission).

gnomAD v4.1: 2 of 1,614,124 alleles (0.00012%); highest among the groups gnomAD compares: East Asian, 0.0045%; no homozygotes.

Submission:

Labcorp Genetics (formerly Invitae), Labcorp
Classification: Uncertain significance. Last evaluated: 2022-07-25. Review status: criteria provided, single submitter. Criteria: Invitae Variant Classification Sherloc (09022015). Collection method: clinical testing. Allele origin: germline.
Comment: In summary, the available evidence is currently insufficient to determine the role of this variant in disease. Therefore, it has been classified as a Variant of Uncertain Significance. This sequence change replaces glutamic acid, which is acidic and polar, with glutamine, which is neutral and polar, at codon 725 of the AHR protein (p.Glu725Gln). This variant is not present in population databases (gnomAD no frequency). This variant has not been reported in the literature in individuals affected with AHR-related conditions. ClinVar contains an entry for this variant (Variation ID: 1399845). Algorithms developed to predict the effect of missense changes on protein structure and function (SIFT, PolyPhen-2, Align-GVGD) all suggest that this variant is likely to be tolerated.

NM_001621.5(AHR):c.2173G>C (p.Glu725Gln)

Gene: AHR (aryl hydrocarbon receptor; plus strand). Cytogenetic location: 7p21.1.
Variant type: single nucleotide variant.
Coding change: c.2173G>C on transcript NM_001621.5 (MANE Select); coding-DNA position 2173, G replaced by C.
Protein change: p.Glu725Gln; replaces glutamic acid 725 with glutamine.
Molecular consequence: missense variant.
Genome position (GRCh38, 1-based): chr7:17,339,998, G>C. VCF-style: chr7-17339998-G-C. GRCh37 (hg19) VCF-style: chr7-17379622-G-C.
Other names: short protein forms E725Q.
Identifiers: ClinVar variation 1399845 (VCV001399845.8), dbSNP rs1584043717, ClinGen allele CA366896320.